The following is an entry in ClinVar:

NM_001084.5(PLOD3):c.716G>A (p.Arg239His)

Gene: PLOD3 (procollagen-lysine,2-oxoglutarate 5-dioxygenase 3; minus strand). Cytogenetic location: 7q22.1.
Variant type: single nucleotide variant.
Coding change: c.716G>A on transcript NM_001084.5 (MANE Select); coding-DNA position 716, G replaced by A.
Protein change: p.Arg239His; replaces arginine 239 with histidine.
Molecular consequence: missense variant.
Genome position (GRCh38, 1-based): chr7:101,213,168, C>T on the plus strand (G>A on the coding strand, the complement: PLOD3 is on the minus strand). VCF-style: chr7-101213168-C-T. GRCh37 (hg19) VCF-style: chr7-100856449-C-T.
Other names: short protein forms R239H.
Identifiers: ClinVar variation 1953727 (VCV001953727.5), dbSNP rs780659488, ClinGen allele CA4408055.

ClinVar aggregate classification (germline): Uncertain significance (1 of 4 stars; one submission).

Allele frequency attached by ClinVar (database versions not stated): gnomAD exomes 0.00001; ExAC 0.00003.

Submission:

Labcorp Genetics (formerly Invitae), Labcorp
Classification: Uncertain significance. Last evaluated: 2024-08-02. Review status: criteria provided, single submitter. Criteria: Invitae Variant Classification Sherloc (09022015). Collection method: clinical testing. Allele origin: germline.
Comment: This sequence change replaces arginine, which is basic and polar, with histidine, which is basic and polar, at codon 239 of the PLOD3 protein (p.Arg239His). This variant is present in population databases (rs780659488, gnomAD 0.003%). This variant has not been reported in the literature in individuals affected with PLOD3-related conditions. ClinVar contains an entry for this variant (Variation ID: 1953727). An algorithm developed to predict the effect of missense changes on protein structure and function (PolyPhen-2) suggests that this variant is likely to be disruptive. In summary, the available evidence is currently insufficient to determine the role of this variant in disease. Therefore, it has been classified as a Variant of Uncertain Significance.